The following is an entry in ClinVar:

NM_020778.4(ALPK3):c.194A>T (p.His65Leu)

Gene: ALPK3 (alpha kinase 3; plus strand). Cytogenetic location: 15q25.3.
Variant type: single nucleotide variant.
Coding change: c.194A>T on transcript NM_020778.4; coding-DNA position 194, A replaced by T.
Protein change: p.His65Leu; replaces histidine 65 with leucine.
Genome position (GRCh38, 1-based): chr15:84,817,040, A>T. VCF-style: chr15-84817040-A-T. GRCh37 (hg19) VCF-style: chr15-85360271-A-T.
Other names: short protein forms H65L.
Identifiers: ClinVar variation 1783184 (VCV001783184.2), dbSNP rs28431354, ClinGen allele CA393368408.

ClinVar aggregate classification (germline): Uncertain significance (1 of 4 stars; one submission).

Conditions:
Cardiovascular phenotype. Identifiers: MedGen CN230736.

Submission:

Ambry Genetics
Classification: Uncertain significance for Cardiovascular phenotype. Last evaluated: 2021-10-11. Review status: criteria provided, single submitter. Criteria: Ambry Variant Classification Scheme 2023. Collection method: clinical testing. Allele origin: germline.
Comment: The p.H65L variant (also known as c.194A>T), located in coding exon 1 of the ALPK3 gene, results from an A to T substitution at nucleotide position 194. The histidine at codon 65 is replaced by leucine, an amino acid with similar properties. This amino acid position is conserved. In addition, this alteration is predicted to be tolerated by in silico analysis. Since supporting evidence is limited at this time, the clinical significance of this alteration remains unclear.